The following is an entry in ClinVar:

NM_015122.3(FCHO1):c.1087C>G (p.Pro363Ala)

Gene: FCHO1 (FCH and mu domain containing endocytic adaptor 1; plus strand). Cytogenetic location: 19p13.11.
Variant type: single nucleotide variant.
Coding change: c.1087C>G on transcript NM_015122.3 (MANE Select); coding-DNA position 1087, C replaced by G.
Protein change: p.Pro363Ala; replaces proline 363 with alanine.
Molecular consequence: missense variant. On other transcripts: non-coding transcript variant (36).
Genome position (GRCh38, 1-based): chr19:17,776,066, C>G. VCF-style: chr19-17776066-C-G. GRCh37 (hg19) VCF-style: chr19-17886875-C-G.
Other names: c.1087C>G, p.Pro363Ala (NM_001384378.1, NM_001384379.1, NM_001384380.1 and 25 more transcripts); c.1042C>G, p.Pro348Ala (NM_001384403.1); c.1048C>G, p.Pro350Ala (NM_001384405.1, NM_001384388.1, NM_001384389.1); c.937C>G, p.Pro313Ala (NM_001384406.1, NM_001384407.1, NM_001384384.1 and 3 more transcripts); c.1012C>G, p.Pro338Ala (NM_001384390.1); short protein forms P348A, P313A, P350A, P363A, P338A.
Identifiers: ClinVar variation 1373438 (VCV001373438.7), dbSNP rs367914289, ClinGen allele CA9300384.

ClinVar aggregate classification (germline): Uncertain significance (1 of 4 stars; one submission).

Allele frequency attached by ClinVar (database versions not stated): gnomAD 0.00001 and 0.00003; gnomAD exomes 0.00001 and 0.00002; ExAC 0.00002; TOPMed 0.00002; ESP Exome Variant Server 0.00008.
gnomAD v4.1: 29 of 1,611,114 alleles (0.0018%); highest among the groups gnomAD compares: South Asian, 0.013%; 1 homozygote.

Submission:

Labcorp Genetics (formerly Invitae), Labcorp
Classification: Uncertain significance. Last evaluated: 2021-02-26. Review status: criteria provided, single submitter. Criteria: Invitae Variant Classification Sherloc (09022015). Collection method: clinical testing. Allele origin: germline.
Comment: This sequence change replaces proline with alanine at codon 363 of the FCHO1 protein (p.Pro363Ala). The proline residue is highly conserved and there is a small physicochemical difference between proline and alanine. This variant is present in population databases (rs367914289, ExAC 0.009%). This variant has not been reported in the literature in individuals with FCHO1-related conditions. Algorithms developed to predict the effect of missense changes on protein structure and function are either unavailable or do not agree on the potential impact of this missense change (SIFT: "Tolerated"; PolyPhen-2: "Possibly Damaging"; Align-GVGD: "Class C0"). In summary, the available evidence is currently insufficient to determine the role of this variant in disease. Therefore, it has been classified as a Variant of Uncertain Significance.